The following is an entry in ClinVar:

ClinVar aggregate classification (germline): Likely pathogenic. Review status: criteria provided, single submitter (1 of 4 stars). 2 submissions from 2 submitters: Likely pathogenic (1). 1 of the submissions does not count toward it. Last evaluated 2023-02-04.

Conditions:
Hereditary spastic paraplegia 15 (SPG15). Also called: SPASTIC PARAPLEGIA 15, AUTOSOMAL RECESSIVE; KJELLIN SYNDROME; SPASTIC PARAPLEGIA AND RETINAL DEGENERATION. Identifiers: Orphanet 100996, MedGen C1849128, MONDO:0010044, OMIM 270700.
Spastic paraplegia. Identifiers: MedGen C0037772, HP:0001258.

Submissions (2):

Labcorp Genetics (formerly Invitae), Labcorp
Classification: Likely pathogenic for Spastic paraplegia. Last evaluated: 2023-02-04. Review status: criteria provided, single submitter. Criteria: Invitae Variant Classification Sherloc (09022015). Collection method: clinical testing. Allele origin: germline.
Comment: In summary, the currently available evidence indicates that the variant is pathogenic, but additional data are needed to prove that conclusively. Therefore, this variant has been classified as Likely Pathogenic. Algorithms developed to predict the effect of sequence changes on RNA splicing suggest that this variant may disrupt the consensus splice site. ClinVar contains an entry for this variant (Variation ID: 556631). This variant has not been reported in the literature in individuals affected with ZFYVE26-related conditions. This variant is not present in population databases (gnomAD no frequency). This sequence change affects an acceptor splice site in intron 19 of the ZFYVE26 gene. It is expected to disrupt RNA splicing. Variants that disrupt the donor or acceptor splice site typically lead to a loss of protein function (PMID: 16199547), and loss-of-function variants in ZFYVE26 are known to be pathogenic (PMID: 18394578, 19805727).

Counsyl
Classification: Likely pathogenic for Hereditary spastic paraplegia 15. Last evaluated: 2018-02-12. Review status: no assertion criteria provided. Collection method: clinical testing. Allele origin: unknown. Not counted in ClinVar's aggregate classification.

Literature cited by the submitters: PubMed 16199547 (cited by Labcorp Genetics (formerly Invitae), Labcorp); PubMed 18394578 (cited by Labcorp Genetics (formerly Invitae), Labcorp); PubMed 19805727 (cited by Labcorp Genetics (formerly Invitae), Labcorp).

NM_015346.4(ZFYVE26):c.3524-2A>G

Gene: ZFYVE26 (zinc finger FYVE-type containing 26; minus strand). Cytogenetic location: 14q24.1.
Variant type: single nucleotide variant.
Coding change: c.3524-2A>G on transcript NM_015346.4 (MANE Select); the canonical splice acceptor site of the intron before coding-DNA position 3524, A replaced by G.
Molecular consequence: splice acceptor variant.
Genome position (GRCh38, 1-based): chr14:67,784,438, T>C on the plus strand (A>G on the coding strand, the complement: ZFYVE26 is on the minus strand). VCF-style: chr14-67784438-T-C. GRCh37 (hg19) VCF-style: chr14-68251155-T-C.
Identifiers: ClinVar variation 556631 (VCV000556631.5), dbSNP rs1555397331, ClinGen allele CA390172045.